The following is an entry in ClinVar:

ClinVar aggregate classification (germline): Likely benign (1 of 4 stars; one submission).

gnomAD v4.1: 1 of 1,613,326 alleles (0.000062%); highest among the groups gnomAD compares: Non-Finnish European, 0.000085%; no homozygotes.

Submission:

Mayo Clinic Laboratories, Mayo Clinic
Classification: Likely benign. Last evaluated: 2025-10-22. Review status: criteria provided, single submitter. Criteria: ACMG Guidelines, 2015. Collection method: clinical testing. Allele origin: germline. Observed: 1 variant allele.
Comment: BP4, BP7

NM_182961.4(SYNE1):c.9009+8G>T

Genes: SYNE1-AS1 (SYNE1 antisense RNA 1; plus strand), SYNE1 (spectrin repeat containing nuclear envelope protein 1; minus strand). Cytogenetic location: 6q25.2.
Variant type: single nucleotide variant.
Coding change: c.9009+8G>T on transcript NM_182961.4 (MANE Select); 8 bases into the intron after coding-DNA position 9009, G replaced by T.
Molecular consequence: intron variant.
Genome position (GRCh38, 1-based): chr6:152,380,998, C>A on the plus strand (G>T on the coding strand, the complement: SYNE1 is on the minus strand). VCF-style: chr6-152380998-C-A. GRCh37 (hg19) VCF-style: chr6-152702133-C-A.
Other names: p.?; c.9030+8G>T (NM_033071.5).
Identifiers: ClinVar variation 4683228 (VCV004683228.1).